The following is an entry in ClinVar:

NM_005219.5(DIAPH1):c.2011G>A (p.Gly671Arg)

Gene: DIAPH1 (diaphanous related formin 1; minus strand). Cytogenetic location: 5q31.3.
Variant type: single nucleotide variant.
Coding change: c.2011G>A on transcript NM_005219.5 (MANE Select); coding-DNA position 2011, G replaced by A.
Protein change: p.Gly671Arg; replaces glycine 671 with arginine.
Molecular consequence: missense variant.
Genome position (GRCh38, 1-based): chr5:141,573,839, C>T on the plus strand (G>A on the coding strand, the complement: DIAPH1 is on the minus strand). VCF-style: chr5-141573839-C-T. GRCh37 (hg19) VCF-style: chr5-140953406-C-T.
Other names: c.1984G>A, p.Gly662Arg (NM_001079812.3); c.2011G>A, p.Gly671Arg (NM_001314007.2); short protein forms G671R, G662R.
Identifiers: ClinVar variation 351291 (VCV000351291.13), dbSNP rs766804741, ClinGen allele CA3479178.

ClinVar aggregate classification (germline): Likely benign. Review status: criteria provided, multiple submitters, no conflicts (2 of 4 stars). 3 submissions from 3 submitters: Likely benign (3). Last evaluated 2026-01-01.

Conditions:
Progressive microcephaly-seizures-cortical blindness-developmental delay syndrome. Also called: Seizures, cortical blindness, and microcephaly syndrome. Identifiers: Orphanet 477814, MedGen C5567650, MONDO:0014714, OMIM 616632.
Autosomal dominant nonsyndromic hearing loss 1. Also called: KONIGSMARK SYNDROME; DEAFNESS, AUTOSOMAL DOMINANT 1, WITH OR WITHOUT THROMBOCYTOPENIA. Identifiers: Orphanet 90635, MedGen C1852282, MONDO:0007424, OMIM 124900.

Allele frequency attached by ClinVar (database versions not stated): TOPMed 0.00002; gnomAD exomes 0.00020 and 0.00065; gnomAD 0.00046 and 0.00048; ExAC 0.00086.
gnomAD v4.1: 331 of 1,521,118 alleles (0.022%); highest among the groups gnomAD compares: Non-Finnish European, 0.0019%; 1 homozygote.

Submissions (3):

Labcorp Genetics (formerly Invitae), Labcorp
Classification: Likely benign for Progressive microcephaly-seizures-cortical blindness-developmental delay syndrome; Autosomal dominant nonsyndromic hearing loss 1. Last evaluated: 2026-01-01. Review status: criteria provided, single submitter. Criteria: Invitae Variant Classification Sherloc (09022015). Collection method: clinical testing. Allele origin: germline.

Blueprint Genetics
Classification: Likely benign. Last evaluated: 2024-09-04. Review status: criteria provided, single submitter. Criteria: ACMG Guidelines, 2015. Collection method: clinical testing. Allele origin: germline.

Illumina Laboratory Services, Illumina
Classification: Likely benign for Autosomal dominant nonsyndromic hearing loss 1. Last evaluated: 2017-04-28. Review status: criteria provided, single submitter. Criteria: ICSL Variant Classification Criteria 13 December 2019. Collection method: clinical testing. Allele origin: germline.
Comment: This variant was observed as part of a predisposition screen in an ostensibly healthy population. A literature search was performed for the gene, cDNA change, and amino acid change (where applicable). No publications were found based on this search. Allele frequency data from public databases allowed determination this variant is unlikely to cause disease. Therefore, this variant is classified as likely benign.